The following is an entry in ClinVar:

ClinVar aggregate classification (germline): Uncertain significance (1 of 4 stars; one submission).

Conditions:
Arrhythmogenic cardiomyopathy with wooly hair and keratoderma. Also called: Carvajal syndrome; PALMOPLANTAR KERATODERMA WITH LEFT VENTRICULAR CARDIOMYOPATHY AND WOOLLY HAIR; Dilated cardiomyopathy with woolly hair and keratoderma; Arrhythmogenic cardiomyopathy with woolly hair and keratoderma. Identifiers: Orphanet 65282, MedGen C1854063, MONDO:0011581, OMIM 605676.

Submission:

All of Us Research Program, National Institutes of Health
Classification: Uncertain significance for Arrhythmogenic cardiomyopathy with wooly hair and keratoderma. Last evaluated: 2024-01-11. Review status: criteria provided, single submitter. Criteria: ACMG Guidelines, 2015. Collection method: clinical testing. Allele origin: germline. Inheritance: Autosomal dominant inheritance. Observed: 4 variant alleles, 4 heterozygotes.
Comment: This missense variant replaces alanine with serine at codon 2712 of the DSP protein. Computational prediction suggests that this variant may have deleterious impact on protein structure and function (internally defined REVEL score threshold >= 0.7, PMID: 27666373). To our knowledge, functional studies have not been reported for this variant. This variant has not been reported in individuals affected with DSP-related disorders in the literature. This variant has not been identified in the general population by the Genome Aggregation Database (gnomAD). The available evidence is insufficient to determine the role of this variant in disease conclusively. Therefore, this variant is classified as a Variant of Uncertain Significance.

This study involves interpretation of variants in research participants for the purpose of population health screening. Participant phenotype was not available at the time of variant classification. Additional details can be found in publication PMID: 35346344, PMCID: PMC8962531

NM_004415.4(DSP):c.8134G>T (p.Ala2712Ser)

Gene: DSP (desmoplakin; plus strand). Cytogenetic location: 6p24.3.
Variant type: single nucleotide variant.
Coding change: c.8134G>T on transcript NM_004415.4 (MANE Select); coding-DNA position 8134, G replaced by T.
Protein change: p.Ala2712Ser; replaces alanine 2712 with serine.
Molecular consequence: missense variant.
Genome position (GRCh38, 1-based): chr6:7,585,396, G>T. VCF-style: chr6-7585396-G-T. GRCh37 (hg19) VCF-style: chr6-7585629-G-T.
Other names: c.6337G>T, p.Ala2113Ser (NM_001008844.3); c.6805G>T, p.Ala2269Ser (NM_001319034.2); short protein forms A2113S, A2269S, A2712S.
Identifiers: ClinVar variation 3070086 (VCV003070086.1), dbSNP rs1288275514, ClinGen allele CA362694511.